The following is an entry in ClinVar:

ClinVar aggregate classification (germline): Uncertain significance (1 of 4 stars; one submission).

Conditions:
Cardiomyopathy (CMYO). Also called: Cardiomyopathies. Identifiers: Orphanet 167848, MedGen C0878544, MONDO:0004994, HP:0001638. Inheritance: Various modes of inheritance.

Submission:

Color Diagnostics, LLC DBA Color Health
Classification: Uncertain significance for Cardiomyopathy. Last evaluated: 2025-07-14. Review status: criteria provided, single submitter. Criteria: ACMG Guidelines, 2015. Collection method: clinical testing. Allele origin: germline.
Comment: This missense variant replaces glutamine with histidine at codon 1589 of the RYR2 protein. Computational prediction suggests that this variant may have deleterious impact on protein structure and function. To our knowledge, functional studies have not been reported for this variant. This variant has not been reported in individuals affected with RYR2-related disorders in the literature. This variant has not been identified in the general population by the Genome Aggregation Database (gnomAD). The available evidence is insufficient to determine the role of this variant in disease conclusively. Therefore, this variant is classified as a Variant of Uncertain Significance.

NM_001035.3(RYR2):c.4767G>T (p.Gln1589His)

Gene: RYR2 (ryanodine receptor 2; plus strand). Cytogenetic location: 1q43.
Variant type: single nucleotide variant.
Coding change: c.4767G>T on transcript NM_001035.3 (MANE Select); coding-DNA position 4767, G replaced by T.
Protein change: p.Gln1589His; replaces glutamine 1589 with histidine.
Molecular consequence: missense variant.
Genome position (GRCh38, 1-based): chr1:237,610,845, G>T. VCF-style: chr1-237610845-G-T. GRCh37 (hg19) VCF-style: chr1-237774145-G-T.
Other names: short protein forms Q1589H.
Identifiers: ClinVar variation 4758920 (VCV004758920.1).